The following is an entry in ClinVar:

NM_013254.4(TBK1):c.1364A>G (p.Asn455Ser)

Gene: TBK1 (TANK binding kinase 1; plus strand). Cytogenetic location: 12q14.2.
Variant type: single nucleotide variant.
Coding change: c.1364A>G on transcript NM_013254.4 (MANE Select); coding-DNA position 1364, A replaced by G.
Protein change: p.Asn455Ser; replaces asparagine 455 with serine.
Molecular consequence: missense variant.
Genome position (GRCh38, 1-based): chr12:64,488,510, A>G. VCF-style: chr12-64488510-A-G. GRCh37 (hg19) VCF-style: chr12-64882290-A-G.
Other names: c.1364A>G (NM_013254.3); short protein forms N455S.
Identifiers: ClinVar variation 2912741 (VCV002912741.4), dbSNP rs754309189, ClinGen allele CA6669046.

ClinVar aggregate classification (germline): Uncertain significance. Review status: criteria provided, single submitter (1 of 4 stars). 2 submissions from 2 submitters: Uncertain significance (1). 1 of the submissions does not count toward it. Last evaluated 2022-12-26.

Conditions:
TBK1-related disorder. Also called: TBK1-related condition.
Frontotemporal dementia and/or amyotrophic lateral sclerosis 4. Also called: FTDALS4. Identifiers: Orphanet 275872, MedGen C4225325, MONDO:0014641, OMIM 616439.

gnomAD v4.1: 27 of 1,597,284 alleles (0.0017%); highest among the groups gnomAD compares: South Asian, 0.0023%; no homozygotes.

Submissions (2):

Labcorp Genetics (formerly Invitae), Labcorp
Classification: Uncertain significance for Frontotemporal dementia and/or amyotrophic lateral sclerosis 4. Last evaluated: 2022-12-26. Review status: criteria provided, single submitter. Criteria: Invitae Variant Classification Sherloc (09022015). Collection method: clinical testing. Allele origin: germline.
Comment: This variant is present in population databases (rs754309189, gnomAD 0.002%). This sequence change replaces asparagine, which is neutral and polar, with serine, which is neutral and polar, at codon 455 of the TBK1 protein (p.Asn455Ser). This missense change has been observed in individual(s) with amyotrophic lateral sclerosis and unaffected individuals in a control population (PMID: 28008748, 29146049; Invitae). In summary, the available evidence is currently insufficient to determine the role of this variant in disease. Therefore, it has been classified as a Variant of Uncertain Significance. Advanced modeling of protein sequence and biophysical properties (such as structural, functional, and spatial information, amino acid conservation, physicochemical variation, residue mobility, and thermodynamic stability) performed at Invitae indicates that this missense variant is not expected to disrupt TBK1 protein function.

PreventionGenetics, part of Exact Sciences
Classification: Uncertain significance for TBK1-related condition. Last evaluated: 2023-12-19. Review status: no assertion criteria provided. Collection method: clinical testing. Allele origin: germline. Not counted in ClinVar's aggregate classification.
Comment: The TBK1 c.1364A>G variant is predicted to result in the amino acid substitution p.Asn455Ser. To our knowledge, this variant has not been reported in the literature in association with TBK1-related disease. This variant is reported in 0.0024% of alleles in individuals of European (Non-Finnish) descent in gnomAD. At this time, the clinical significance of this variant is uncertain due to the absence of conclusive functional and genetic evidence.

Literature cited by the submitters: PubMed 28008748 (cited by Labcorp Genetics (formerly Invitae), Labcorp); PubMed 29146049 (cited by Labcorp Genetics (formerly Invitae), Labcorp).